The following is an entry in ClinVar:

ClinVar aggregate classification (germline): Benign. Review status: criteria provided, multiple submitters, no conflicts (2 of 4 stars). 9 submissions from 9 submitters: Benign (6). 3 of the submissions do not count toward it. Last evaluated 2026-02-02.

Conditions:
Joubert syndrome 1 (JBTS1). Also called: Cerebellooculorenal syndrome 1; CEREBELLOPARENCHYMAL DISORDER IV. Identifiers: MedGen C4551568, MONDO:0008944, OMIM 213300.
Joubert syndrome. Also called: Familial aplasia of the vermis; JOUBERT-BOLTSHAUSER SYNDROME. Identifiers: Orphanet 475, MedGen C5979921, MONDO:0018772.

Allele frequency attached by ClinVar (database versions not stated): gnomAD 0.02308 and 0.02475; 1000 Genomes Project 0.02676; gnomAD exomes 0.00231; ESP Exome Variant Server 0.01514; ExAC 0.00335; TOPMed 0.02601; 1000 Genomes Project 30x 0.02858.
gnomAD v4.1: 6,678 of 1,463,608 alleles (0.46%); highest among the groups gnomAD compares: African/African-American, 8%; 272 homozygotes.

Submissions (9):

Labcorp Genetics (formerly Invitae), Labcorp
Classification: Benign for Joubert syndrome. Last evaluated: 2026-02-02. Review status: criteria provided, single submitter. Criteria: Invitae Variant Classification Sherloc (09022015). Collection method: clinical testing. Allele origin: germline.

Mayo Clinic Laboratories, Mayo Clinic
Classification: Benign. Last evaluated: 2023-03-26. Review status: criteria provided, single submitter. Criteria: ACMG Guidelines, 2015. Collection method: clinical testing. Allele origin: germline. Observed: 3 variant alleles.

Illumina Laboratory Services, Illumina
Classification: Benign for Joubert syndrome 1. Last evaluated: 2018-01-12. Review status: criteria provided, single submitter. Criteria: ICSL Variant Classification Criteria 13 December 2019. Collection method: clinical testing. Allele origin: germline.
Comment: This variant was observed in the ICSL laboratory as part of a predisposition screen in an ostensibly healthy population. It had not been previously curated by ICSL or reported in the Human Gene Mutation Database (HGMD: prior to June 1st, 2018), and was therefore a candidate for classification through an automated scoring system. Utilizing variant allele frequency, disease prevalence and penetrance estimates, and inheritance mode, an automated score was calculated to assess if this variant is too frequent to cause the disease. Based on the score and internal cut-off values, a variant classified as benign is not then subjected to further curation. The score for this variant resulted in a classification of benign for this disease.

GeneDx
Classification: Benign. Last evaluated: 2015-07-30. Review status: criteria provided, single submitter. Criteria: GeneDx Variant Classification (06012015). Collection method: clinical testing. Allele origin: germline. Affected: yes.
Comment: This variant is considered likely benign or benign based on one or more of the following criteria: it is a conservative change, it occurs at a poorly conserved position in the protein, it is predicted to be benign by multiple in silico algorithms, and/or has population frequency not consistent with disease.

Breakthrough Genomics
Classification: Benign. Review status: criteria provided, single submitter. Criteria: ACMG Guidelines, 2015. Collection method: not provided. Allele origin: germline. Inheritance: Autosomal recessive inheritance. Affected: yes.

PreventionGenetics, part of Exact Sciences
Classification: Benign. Review status: criteria provided, single submitter. Criteria: ACMG Guidelines, 2015. Collection method: clinical testing. Allele origin: germline.

Clinical Genetics DNA and cytogenetics Diagnostics Lab, Erasmus MC, Erasmus Medical Center
Classification: Benign. Review status: no assertion criteria provided. Collection method: clinical testing. Allele origin: germline. Affected: yes. Study: VKGL Data-share Consensus. Not counted in ClinVar's aggregate classification.

Genetic Services Laboratory, University of Chicago
Classification: Likely benign for AllHighlyPenetrant. Review status: no assertion criteria provided. Collection method: clinical testing. Allele origin: germline. Inheritance: Autosomal recessive inheritance. Not counted in ClinVar's aggregate classification.
Comment: Likely benign based on allele frequency in 1000 Genomes Project or ESP global frequency and its presence in a patient with a rare or unrelated disease phenotype. NOT Sanger confirmed.

Genome Diagnostics Laboratory, University Medical Center Utrecht
Classification: Benign. Review status: no assertion criteria provided. Collection method: clinical testing. Allele origin: germline. Affected: yes. Study: VKGL Data-share Consensus. Not counted in ClinVar's aggregate classification.

NM_019892.6(INPP5E):c.33C>G (p.Ser11=)

Gene: INPP5E (inositol polyphosphate-5-phosphatase E; minus strand). Cytogenetic location: 9q34.3.
Variant type: single nucleotide variant.
Coding change: c.33C>G on transcript NM_019892.6 (MANE Select); coding-DNA position 33, C replaced by G.
Protein change: p.Ser11=; no amino-acid change (serine 11 retained).
Molecular consequence: synonymous variant.
Genome position (GRCh38, 1-based): chr9:136,439,387, G>C on the plus strand (C>G on the coding strand, the complement: INPP5E is on the minus strand). VCF-style: chr9-136439387-G-C. GRCh37 (hg19) VCF-style: chr9-139333839-G-C.
Other names: p.Ser11=; c.33C>G, p.Ser11= (NM_001318502.2).
Identifiers: ClinVar variation 129273 (VCV000129273.25), dbSNP rs79161998, ClinGen allele CA153169.